The following is an entry in ClinVar:

NM_000245.4(MET):c.1992G>A (p.Pro664=)

Gene: MET (MET proto-oncogene, receptor tyrosine kinase; plus strand). Cytogenetic location: 7q31.2.
Variant type: single nucleotide variant.
Coding change: c.1992G>A on transcript NM_000245.4 (MANE Select); coding-DNA position 1992, G replaced by A.
Protein change: p.Pro664=; no amino-acid change (proline 664 retained).
Molecular consequence: synonymous variant.
Genome position (GRCh38, 1-based): chr7:116,757,664, G>A. VCF-style: chr7-116757664-G-A. GRCh37 (hg19) VCF-style: chr7-116397718-G-A.
Other names: c.1992G>A, p.Pro664= (NM_001127500.3, NM_001324401.3); c.702G>A, p.Pro234= (NM_001324402.2).
Identifiers: ClinVar variation 358690 (VCV000358690.31), dbSNP rs373842614, ClinGen allele CA4448353.

ClinVar aggregate classification (germline): Benign/Likely benign. Review status: criteria provided, multiple submitters, no conflicts (2 of 4 stars). 7 submissions from 7 submitters: Benign (1); Likely benign (6). Last evaluated 2025-12-15.

Conditions:
Renal cell carcinoma. Identifiers: Orphanet 217071, MedGen C0007134, MeSH D002292, MONDO:0005086, HP:0005584.
Hereditary cancer-predisposing syndrome. Also called: Hereditary Cancer Syndrome; Tumor predisposition; Neoplastic Syndromes, Hereditary; Hereditary neoplastic syndrome. Identifiers: Orphanet 140162, MedGen C0027672, MeSH D009386, MONDO:0015356.
Papillary renal cell carcinoma type 1 (RCCP1). Also called: RENAL CELL CARCINOMA, PAPILLARY, 1, SOMATIC; Renal adenocarcinoma; Renal cell carcinoma 1; Renal cell carcinoma, somatic. Identifiers: Orphanet 47044, MedGen C1336839, OMIM 605074, HP:0011797.

Allele frequency attached by ClinVar (database versions not stated): TOPMed 0.00003; gnomAD 0.00004 and 0.00005; gnomAD exomes 0.00004; ExAC 0.00007; ESP Exome Variant Server 0.00008; 1000 Genomes Project 30x 0.00031; 1000 Genomes Project 0.00040.
gnomAD v4.1: 78 of 1,613,842 alleles (0.0048%); highest among the groups gnomAD compares: South Asian, 0.018%; no homozygotes.

Submissions (7):

Labcorp Genetics (formerly Invitae), Labcorp
Classification: Likely benign for Renal cell carcinoma. Last evaluated: 2025-12-15. Review status: criteria provided, single submitter. Criteria: Invitae Variant Classification Sherloc (09022015). Collection method: clinical testing. Allele origin: germline.

CeGaT Center for Human Genetics Tuebingen
Classification: Likely benign. Last evaluated: 2025-08-01. Review status: criteria provided, single submitter. Criteria: CeGaT Center For Human Genetics Tuebingen Variant Classification Criteria Version 2. Collection method: clinical testing. Allele origin: germline. Affected: yes. Observed: 1 variant allele.
Comment: MET: BP4, BP7

Myriad Genetics, Inc.
Classification: Benign for Papillary renal cell carcinoma type 1. Last evaluated: 2024-11-08. Review status: criteria provided, single submitter. Criteria: Myriad Autosomal Dominant, Autosomal Recessive and X-Linked Classification Criteria (2023). Collection method: clinical testing. Allele origin: unknown.
Comment: This variant is considered benign. This variant is a silent/synonymous amino acid change and it is not expected to impact splicing.

Sema4
Classification: Likely benign for Hereditary cancer-predisposing syndrome. Last evaluated: 2020-10-06. Review status: criteria provided, single submitter. Criteria: Sema4 Curation Guidelines. Collection method: curation. Allele origin: germline.

GeneDx
Classification: Likely benign. Last evaluated: 2018-12-20. Review status: criteria provided, single submitter. Criteria: GeneDx Variant Classification Process June 2021. Collection method: clinical testing. Allele origin: germline. Affected: yes.
Comment: This variant is associated with the following publications: (PMID: 22343534, 24705251)

Illumina Laboratory Services, Illumina
Classification: Likely benign for Papillary renal cell carcinoma type 1. Last evaluated: 2017-04-27. Review status: criteria provided, single submitter. Criteria: ICSL Variant Classification Criteria 13 December 2019. Collection method: clinical testing. Allele origin: germline.
Comment: This variant was observed as part of a predisposition screen in an ostensibly healthy population. A literature search was performed for the gene, cDNA change, and amino acid change (where applicable). No publications were found based on this search. Allele frequency data from public databases allowed determination this variant is unlikely to cause disease. Therefore, this variant is classified as likely benign.

Ambry Genetics
Classification: Likely benign for Hereditary cancer-predisposing syndrome. Last evaluated: 2015-08-04. Review status: criteria provided, single submitter. Criteria: Ambry Variant Classification Scheme 2023. Collection method: clinical testing. Allele origin: germline.